The following is an entry in ClinVar:

NM_001386140.1(MTTP):c.977T>C (p.Val326Ala)

Gene: MTTP (microsomal triglyceride transfer protein; plus strand). Cytogenetic location: 4q23.
Variant type: single nucleotide variant.
Coding change: c.977T>C on transcript NM_001386140.1 (MANE Select); coding-DNA position 977, T replaced by C.
Protein change: p.Val326Ala; replaces valine 326 with alanine.
Molecular consequence: missense variant.
Genome position (GRCh38, 1-based): chr4:99,597,134, T>C. VCF-style: chr4-99597134-T-C. GRCh37 (hg19) VCF-style: chr4-100518291-T-C.
Other names: c.977T>C, p.Val326Ala (NM_000253.4); c.728T>C, p.Val243Ala (NM_001300785.2); short protein forms V243A, V326A.
Identifiers: ClinVar variation 1466171 (VCV001466171.6), dbSNP rs1347673201, ClinGen allele CA357506778.

ClinVar aggregate classification (germline): Uncertain significance (1 of 4 stars; one submission).

Allele frequency attached by ClinVar (database versions not stated): gnomAD exomes below 0.00001; TOPMed below 0.00001.
gnomAD v4.1: 1 of 1,614,020 alleles (0.000062%); highest among the groups gnomAD compares: Admixed American, 0.0017%; no homozygotes.

Submission:

Labcorp Genetics (formerly Invitae), Labcorp
Classification: Uncertain significance. Last evaluated: 2021-04-07. Review status: criteria provided, single submitter. Criteria: Invitae Variant Classification Sherloc (09022015). Collection method: clinical testing. Allele origin: germline.
Comment: In summary, the available evidence is currently insufficient to determine the role of this variant in disease. Therefore, it has been classified as a Variant of Uncertain Significance. Algorithms developed to predict the effect of missense changes on protein structure and function output the following: SIFT: "Tolerated"; PolyPhen-2: "Benign"; Align-GVGD: "Class C0". The alanine amino acid residue is found in multiple mammalian species, suggesting that this missense change does not adversely affect protein function. These predictions have not been confirmed by published functional studies and their clinical significance is uncertain. This variant has not been reported in the literature in individuals with MTTP-related conditions. This variant is not present in population databases (ExAC no frequency). This sequence change replaces valine with alanine at codon 326 of the MTTP protein (p.Val326Ala). The valine residue is weakly conserved and there is a small physicochemical difference between valine and alanine.